The following is an entry in ClinVar:

ClinVar aggregate classification (germline): Uncertain significance (1 of 4 stars; one submission).

Conditions:
Saldino-Mainzer syndrome (SRTD9). Also called: CONORENAL SYNDROME; Renal dysplasia, retinal pigmentary dystrophy, cerebellar ataxia and skeletal dysplasia; SHORT-RIB THORACIC DYSPLASIA 9 WITHOUT POLYDACTYLY; short-rib thoracic dysplasia 9 with or without polydactyly. Identifiers: Orphanet 140969, MedGen C1849437, MONDO:0009964, OMIM 266920.

Submission:

Labcorp Genetics (formerly Invitae), Labcorp
Classification: Uncertain significance for Saldino-Mainzer syndrome. Last evaluated: 2023-08-17. Review status: criteria provided, single submitter. Criteria: Invitae Variant Classification Sherloc (09022015). Collection method: clinical testing. Allele origin: germline.
Comment: ClinVar contains an entry for this variant (Variation ID: 2049766). This variant has not been reported in the literature in individuals affected with IFT140-related conditions. This variant is not present in population databases (gnomAD no frequency). This sequence change replaces tyrosine, which is neutral and polar, with histidine, which is basic and polar, at codon 1247 of the IFT140 protein (p.Tyr1247His). Advanced modeling of protein sequence and biophysical properties (such as structural, functional, and spatial information, amino acid conservation, physicochemical variation, residue mobility, and thermodynamic stability) has been performed at Invitae for this missense variant, however the output from this modeling did not meet the statistical confidence thresholds required to predict the impact of this variant on IFT140 protein function. In summary, the available evidence is currently insufficient to determine the role of this variant in disease. Therefore, it has been classified as a Variant of Uncertain Significance.

NM_014714.4(IFT140):c.3739T>C (p.Tyr1247His)

Gene: IFT140 (intraflagellar transport 140; minus strand). Cytogenetic location: 16p13.3.
Variant type: single nucleotide variant.
Coding change: c.3739T>C on transcript NM_014714.4 (MANE Select); coding-DNA position 3739, T replaced by C.
Protein change: p.Tyr1247His; replaces tyrosine 1247 with histidine.
Molecular consequence: missense variant.
Genome position (GRCh38, 1-based): chr16:1,520,265, A>G on the plus strand (T>C on the coding strand, the complement: IFT140 is on the minus strand). VCF-style: chr16-1520265-A-G. GRCh37 (hg19) VCF-style: chr16-1570266-A-G.
Other names: short protein forms Y1247H.
Identifiers: ClinVar variation 2049766 (VCV002049766.4), dbSNP rs2506076597, ClinGen allele CA394224512.
Genomic context (GRCh38, chr16:1,520,265, plus strand): 5'-TCATGATCTCCGGCTCCTTCCGCCAGTCCAGGGACTGCAGGTAGTTAGCAGCCATGATGT[A>G]GATTTCCTTCTGCCTGGACACGCTCGCGAAGAACGTGATTTTCTCCGTGTCTCCGGATTT-3'
Protein context (NP_055529.2, residues 1237-1257): FASVSRQKEI[Tyr1247His]IMAANYLQSL